The following is an entry in ClinVar:

ClinVar aggregate classification (germline): Uncertain significance (1 of 4 stars; one submission).

Conditions:
Cardiovascular phenotype. Identifiers: MedGen CN230736.

gnomAD v4.1: 5 of 1,614,120 alleles (0.00031%); highest among the groups gnomAD compares: Non-Finnish European, 0.00034%; no homozygotes.

Submission:

Ambry Genetics
Classification: Uncertain significance for Cardiovascular phenotype. Last evaluated: 2025-05-24. Review status: criteria provided, single submitter. Criteria: Ambry Variant Classification Scheme 2023. Collection method: clinical testing. Allele origin: germline.
Comment: The p.A868S variant (also known as c.2602G>T), located in coding exon 21 of the ACTN2 gene, results from a G to T substitution at nucleotide position 2602. The alanine at codon 868 is replaced by serine, an amino acid with similar properties. This amino acid position is conserved. In addition, this alteration is predicted to be tolerated by in silico analysis. Based on the available evidence, the clinical significance of this variant remains unclear.

NM_001103.4(ACTN2):c.2602G>T (p.Ala868Ser)

Gene: ACTN2 (actinin alpha 2; plus strand). Cytogenetic location: 1q43.
Variant type: single nucleotide variant.
Coding change: c.2602G>T on transcript NM_001103.4 (MANE Select); coding-DNA position 2602, G replaced by T.
Protein change: p.Ala868Ser; replaces alanine 868 with serine.
Molecular consequence: missense variant. On other transcripts: non-coding transcript variant (1).
Genome position (GRCh38, 1-based): chr1:236,762,536, G>T. VCF-style: chr1-236762536-G-T. GRCh37 (hg19) VCF-style: chr1-236925836-G-T.
Other names: c.2602G>T, p.Ala868Ser (NM_001278343.2); short protein forms A868S.
Identifiers: ClinVar variation 4002243 (VCV004002243.1).
Genomic context (GRCh38, chr1:236,762,536, plus strand): 5'-GAGGAGCTGCGTCGGGAGCTGCCCCCGGATCAGGCCCAGTACTGCATCAAGAGGATGCCC[G>T]CCTACTCGGGCCCAGGCAGTGTGCCTGGTGCACTGGATTACGCTGCGTTCTCTTCCGCAC-3'
Protein context (NP_001094.1, residues 858-878): QAQYCIKRMP[Ala868Ser]YSGPGSVPGA